The following is an entry in ClinVar:

ClinVar aggregate classification (germline): Uncertain significance. Review status: criteria provided, multiple submitters, no conflicts (2 of 4 stars). 4 submissions from 4 submitters: Uncertain significance (4). Last evaluated 2025-09-26.

Conditions:
Inborn genetic diseases. Identifiers: MedGen C0950123, MeSH D030342.
Autoinflammatory syndrome. Identifiers: Orphanet 93665, MedGen C3890737, MONDO:0019751.
Familial cold autoinflammatory syndrome 2 (FCAS2). Identifiers: Orphanet 247868, MedGen C2673198, MONDO:0012724, OMIM 611762.

Allele frequency attached by ClinVar (database versions not stated): gnomAD exomes 0.00001; ExAC 0.00002; gnomAD 0.00006; TOPMed 0.00006; ESP Exome Variant Server 0.00008; 1000 Genomes Project 0.00040; 1000 Genomes Project 30x 0.00047.

Submissions (4):

Ambry Genetics
Classification: Uncertain significance for Inborn genetic diseases. Last evaluated: 2025-09-26. Review status: criteria provided, single submitter. Criteria: Ambry Variant Classification Scheme 2023. Collection method: clinical testing. Allele origin: germline.

Labcorp Genetics (formerly Invitae), Labcorp
Classification: Uncertain significance for Familial cold autoinflammatory syndrome 2. Last evaluated: 2025-02-26. Review status: criteria provided, single submitter. Criteria: Invitae Variant Classification Sherloc (09022015). Collection method: clinical testing. Allele origin: germline.
Comment: This sequence change replaces asparagine, which is neutral and polar, with threonine, which is neutral and polar, at codon 989 of the NLRP12 protein (p.Asn989Thr). This variant is present in population databases (rs151187420, gnomAD 0.007%). This variant has not been reported in the literature in individuals affected with NLRP12-related conditions. ClinVar contains an entry for this variant (Variation ID: 1056209). An algorithm developed to predict the effect of missense changes on protein structure and function outputs the following: PolyPhen-2: "Not Available". The threonine amino acid residue is found in multiple mammalian species, which suggests that this missense change does not adversely affect protein function. In summary, the available evidence is currently insufficient to determine the role of this variant in disease. Therefore, it has been classified as a Variant of Uncertain Significance.

ARUP Laboratories, Molecular Genetics and Genomics, ARUP Laboratories
Classification: Uncertain significance for Familial cold autoinflammatory syndrome 2. Last evaluated: 2023-06-28. Review status: criteria provided, single submitter. Criteria: ARUP Molecular Germline Variant Investigation Process 2024. Collection method: clinical testing. Allele origin: germline.
Comment: The NLRP12 c.2966A>C; p.Asn989Thr variant (rs151187420), to our knowledge, is not reported in the medical literature but is reported in ClinVar (Variation ID: 1056209). This variant is only observed on three alleles in the Genome Aggregation Database, indicating it is not a common polymorphism. Computational analyses predict that this variant is neutral (REVEL: 0.043). However, given the lack of clinical and functional data, the significance of this variant is uncertain at this time.

Genome Diagnostics Laboratory, The Hospital for Sick Children
Classification: Uncertain significance for Autoinflammatory syndrome. Last evaluated: 2021-01-13. Review status: criteria provided, single submitter. Criteria: ACMG Guidelines, 2015. Collection method: clinical testing. Allele origin: germline. Affected: yes.

NM_144687.4(NLRP12):c.2966A>C (p.Asn989Thr)

Gene: NLRP12 (NLR family pyrin domain containing 12; minus strand). Cytogenetic location: 19q13.42.
Variant type: single nucleotide variant.
Coding change: c.2966A>C on transcript NM_144687.4 (MANE Select); coding-DNA position 2966, A replaced by C.
Protein change: p.Asn989Thr; replaces asparagine 989 with threonine.
Molecular consequence: missense variant.
Genome position (GRCh38, 1-based): chr19:53,795,991, T>G on the plus strand (A>C on the coding strand, the complement: NLRP12 is on the minus strand). VCF-style: chr19-53795991-T-G. GRCh37 (hg19) VCF-style: chr19-54299245-T-G.
Other names: c.2966A>C (NM_144687.2); c.2969A>C, p.Asn990Thr (NM_001277126.2); c.2795A>C, p.Asn932Thr (NM_001277129.1); short protein forms N932T, N989T, N990T.
Identifiers: ClinVar variation 1056209 (VCV001056209.13), dbSNP rs151187420, ClinGen allele CA9638814.
Genomic context (GRCh38, chr19:53,795,991, plus strand): 5'-GCGTTGTTGGTCAGGTAAAGGTCGGTCAAGGTCTGGTTGATCCCCAGGGTGAAGTAAAGA[T>G]TCTCACAAGCCTTGGCTGTGAGGCCACAGCTATCCAGCCTGGTGAAGATAAGGAGTTGGT-3'
Protein context (NP_653288.1, residues 979-999): SCGLTAKACE[Asn989Thr]LYFTLGINQT